The following is an entry in ClinVar:

NM_001283009.2(RTEL1):c.2184G>T (p.Val728=)

Genes: RTEL1 (regulator of telomere elongation helicase 1; plus strand), RTEL1-TNFRSF6B (RTEL1-TNFRSF6B readthrough (NMD candidate); plus strand). Cytogenetic location: 20q13.33.
Variant type: single nucleotide variant.
Coding change: c.2184G>T on transcript NM_001283009.2 (MANE Select); coding-DNA position 2184, G replaced by T.
Protein change: p.Val728=; no amino-acid change (valine 728 retained).
Molecular consequence: synonymous variant. On other transcripts: non-coding transcript variant (1).
Genome position (GRCh38, 1-based): chr20:63,690,129, G>T. VCF-style: chr20-63690129-G-T. GRCh37 (hg19) VCF-style: chr20-62321482-G-T.
Other names: c.2184G>T, p.Val728= (NM_016434.4); c.2256G>T, p.Val752= (NM_032957.5); c.1515G>T, p.Val505= (NM_001283010.1).
Identifiers: ClinVar variation 4794591 (VCV004794591.1).

ClinVar aggregate classification (germline): Uncertain significance (1 of 4 stars; one submission).

Conditions:
Pulmonary fibrosis and/or bone marrow failure, Telomere-related, 3. Also called: PULMONARY FIBROSIS AND/OR BONE MARROW FAILURE SYNDROME, TELOMERE-RELATED, 3. Identifiers: Orphanet 2032, MedGen C4225346, MONDO:0014613, OMIM 616373.
Dyskeratosis congenita, autosomal recessive 5 (DKCB5). Identifiers: MedGen C3554656, MONDO:0014076, OMIM 615190.

Submission:

Labcorp Genetics (formerly Invitae), Labcorp
Classification: Uncertain significance for Dyskeratosis congenita, autosomal recessive 5; Pulmonary fibrosis and/or bone marrow failure, Telomere-related, 3. Last evaluated: 2025-12-24. Review status: criteria provided, single submitter. Criteria: Invitae Variant Classification Sherloc (09022015). Collection method: clinical testing. Allele origin: germline.
Comment: This sequence change affects codon 728 of the RTEL1 mRNA. It is a 'silent' change, meaning that it does not change the encoded amino acid sequence of the RTEL1 protein. This variant is not present in population databases (gnomAD no frequency). This variant has not been reported in the literature in individuals affected with RTEL1-related conditions. Algorithms developed to predict the effect of sequence changes on RNA splicing suggest that this variant may create or strengthen a splice site. In summary, the available evidence is currently insufficient to determine the role of this variant in disease. Therefore, it has been classified as a Variant of Uncertain Significance.